The following is an entry in ClinVar:

ClinVar aggregate classification (germline): Uncertain significance (1 of 4 stars; one submission).

Allele frequency attached by ClinVar (database versions not stated): gnomAD exomes below 0.00001; TOPMed below 0.00001.
gnomAD v4.1: 3 of 1,613,224 alleles (0.00019%); highest among the groups gnomAD compares: Admixed American, 0.0017%; no homozygotes.

Submission:

Labcorp Genetics (formerly Invitae), Labcorp
Classification: Uncertain significance. Last evaluated: 2022-12-20. Review status: criteria provided, single submitter. Criteria: Invitae Variant Classification Sherloc (09022015). Collection method: clinical testing. Allele origin: germline.
Comment: This sequence change replaces isoleucine, which is neutral and non-polar, with valine, which is neutral and non-polar, at codon 724 of the RIMS1 protein (p.Ile724Val). This variant is present in population databases (no rsID available, gnomAD 0.01%). This variant has not been reported in the literature in individuals affected with RIMS1-related conditions. Algorithms developed to predict the effect of missense changes on protein structure and function are either unavailable or do not agree on the potential impact of this missense change (SIFT: "Deleterious"; PolyPhen-2: "Benign"; Align-GVGD: "Class C25"). In summary, the available evidence is currently insufficient to determine the role of this variant in disease. Therefore, it has been classified as a Variant of Uncertain Significance.

NM_014989.7(RIMS1):c.2170A>G (p.Ile724Val)

Gene: RIMS1 (regulating synaptic membrane exocytosis 1; plus strand). Cytogenetic location: 6q13.
Variant type: single nucleotide variant.
Coding change: c.2170A>G on transcript NM_014989.7 (MANE Select); coding-DNA position 2170, A replaced by G.
Protein change: p.Ile724Val; replaces isoleucine 724 with valine.
Molecular consequence: missense variant.
Genome position (GRCh38, 1-based): chr6:72,248,056, A>G. VCF-style: chr6-72248056-A-G. GRCh37 (hg19) VCF-style: chr6-72957759-A-G.
Other names: c.592A>G, p.Ile198Val (NM_001168407.2, NM_001168408.2, NM_001350414.2 and 37 more transcripts); c.349A>G, p.Ile117Val (NM_001168409.2, NM_001350461.2, NM_001350463.2 and 6 more transcripts); c.547A>G, p.Ile183Val (NM_001168410.2, NM_001350470.2, NM_001350472.2 and 2 more transcripts); c.523A>G, p.Ile175Val (NM_001350421.2, NM_001350424.2, NM_001350428.2 and 6 more transcripts); short protein forms I175V, I183V, I198V, I117V, I724V.
Identifiers: ClinVar variation 1920783 (VCV001920783.5), dbSNP rs1321226831, ClinGen allele CA364678135.